The following is an entry in ClinVar:

ClinVar aggregate classification (germline): Likely benign (1 of 4 stars; one submission).

Submission:

GeneDx
Classification: Likely benign. Last evaluated: 2017-03-23. Review status: criteria provided, single submitter. Criteria: GeneDx Variant Classification (06012015). Collection method: clinical testing. Allele origin: germline. Affected: yes.
Comment: This variant is considered likely benign or benign based on one or more of the following criteria: it is a conservative change, it occurs at a poorly conserved position in the protein, it is predicted to be benign by multiple in silico algorithms, and/or has population frequency not consistent with disease.

NM_000179.3(MSH6):c.3801+7G>T

Gene: MSH6 (mutS homolog 6; plus strand). Cytogenetic location: 2p16.3.
Variant type: single nucleotide variant.
Coding change: c.3801+7G>T on transcript NM_000179.3 (MANE Select); 7 bases into the intron after coding-DNA position 3801, G replaced by T.
Molecular consequence: intron variant.
Genome position (GRCh38, 1-based): chr2:47,806,365, G>T. VCF-style: chr2-47806365-G-T. GRCh37 (hg19) VCF-style: chr2-48033504-G-T.
Other names: c.2895+7G>T (NM_001281493.2, NM_001281494.2); c.3411+7G>T (NM_001281492.2).
Identifiers: ClinVar variation 508216 (VCV000508216.1), dbSNP rs1553333205, ClinGen allele CA658795754.
Genomic context (GRCh38, chr2:47,806,365, plus strand): 5'-CATTCATTAGTAGAAGATTATTCTCAAAATGTTGCTGTGCGCCTAGGACATATGGTATGT[G>T]CAAATTGTTTTTTTCCACAAATTCGGTTTTTTGAGAGGGCACTTCTCTTGCTAGCACATG-3'